The following is an entry in ClinVar:

ClinVar aggregate classification (germline): Uncertain significance (1 of 4 stars; one submission).

Allele frequency attached by ClinVar (database versions not stated): gnomAD exomes below 0.00001; ExAC 0.00001; gnomAD 0.00003; TOPMed 0.00003.
gnomAD v4.1: 8 of 1,613,992 alleles (0.0005%); highest among the groups gnomAD compares: South Asian, 0.0022%; no homozygotes.

Submission:

Labcorp Genetics (formerly Invitae), Labcorp
Classification: Uncertain significance. Last evaluated: 2025-04-20. Review status: criteria provided, single submitter. Criteria: Invitae Variant Classification Sherloc (09022015). Collection method: clinical testing. Allele origin: germline.
Comment: This sequence change replaces aspartic acid, which is acidic and polar, with tyrosine, which is neutral and polar, at codon 66 of the MYO5B protein (p.Asp66Tyr). This variant is present in population databases (rs755183341, gnomAD 0.003%). This variant has not been reported in the literature in individuals affected with MYO5B-related conditions. ClinVar contains an entry for this variant (Variation ID: 1371367). Invitae Evidence Modeling of protein sequence and biophysical properties (such as structural, functional, and spatial information, amino acid conservation, physicochemical variation, residue mobility, and thermodynamic stability) has been performed for this missense variant. However, the output from this modeling did not meet the statistical confidence thresholds required to predict the impact of this variant on MYO5B protein function. In summary, the available evidence is currently insufficient to determine the role of this variant in disease. Therefore, it has been classified as a Variant of Uncertain Significance.

NM_001080467.3(MYO5B):c.196G>T (p.Asp66Tyr)

Gene: MYO5B (myosin VB; minus strand). Cytogenetic location: 18q21.1.
Variant type: single nucleotide variant.
Coding change: c.196G>T on transcript NM_001080467.3 (MANE Select); coding-DNA position 196, G replaced by T.
Protein change: p.Asp66Tyr; replaces aspartic acid 66 with tyrosine.
Molecular consequence: missense variant.
Genome position (GRCh38, 1-based): chr18:50,040,257, C>A on the plus strand (G>T on the coding strand, the complement: MYO5B is on the minus strand). VCF-style: chr18-50040257-C-A. GRCh37 (hg19) VCF-style: chr18-47566627-C-A.
Other names: short protein forms D66Y.
Identifiers: ClinVar variation 1371367 (VCV001371367.6), dbSNP rs755183341, ClinGen allele CA8961950.
Genomic context (GRCh38, chr18:50,040,257, plus strand): 5'-AAACTGCAGGCTCATGAAGATAGCTAAGGGCAGTCAGGTCATTTTCTCCCACCAAGATAT[C>A]TGGATTCCGTAAGAAGGGCAGCTGGTTGCGTTGTACATCAATTGGGTATTCCAGAATCTA-3'
Protein context (NP_001073936.1, residues 56-76): RNQLPFLRNP[Asp66Tyr]ILVGENDLTA